The following is an entry in ClinVar:

NM_001105206.3(LAMA4):c.514G>A (p.Gly172Ser)

Gene: LAMA4 (laminin subunit alpha 4; minus strand). Cytogenetic location: 6q21.
Variant type: single nucleotide variant.
Coding change: c.514G>A on transcript NM_001105206.3 (MANE Select); coding-DNA position 514, G replaced by A.
Protein change: p.Gly172Ser; replaces glycine 172 with serine.
Molecular consequence: missense variant.
Genome position (GRCh38, 1-based): chr6:112,191,840, C>T on the plus strand (G>A on the coding strand, the complement: LAMA4 is on the minus strand). VCF-style: chr6-112191840-C-T. GRCh37 (hg19) VCF-style: chr6-112513042-C-T.
Other names: c.514G>A, p.Gly172Ser (NM_001105207.3, NM_002290.5); short protein forms G172S.
Identifiers: ClinVar variation 44402 (VCV000044402.32), dbSNP rs147695488, ClinGen allele CA134055.

ClinVar aggregate classification (germline): Likely benign. Review status: criteria provided, multiple submitters, no conflicts (2 of 4 stars). 11 submissions from 11 submitters: Likely benign (6). 5 of the submissions do not count toward it. Last evaluated 2026-01-05.

Conditions:
Dilated cardiomyopathy 1JJ (CMD1JJ). Identifiers: Orphanet 154, MedGen C3808935, MONDO:0014095, OMIM 615235.
LAMA4-related disorder. Also called: LAMA4-related condition.
Cardiovascular phenotype. Identifiers: MedGen CN230736.

Allele frequency attached by ClinVar (database versions not stated): gnomAD exomes 0.00009 and 0.00018; ExAC 0.00022; 1000 Genomes Project 0.00040; TOPMed 0.00073; gnomAD 0.00085 and 0.00091; ESP Exome Variant Server 0.00108; 1000 Genomes Project 30x 0.00109.
gnomAD v4.1: 255 of 1,612,568 alleles (0.016%); highest among the groups gnomAD compares: African/African-American, 0.3%; 3 homozygotes.

Submissions (11):

Labcorp Genetics (formerly Invitae), Labcorp
Classification: Likely benign for Dilated cardiomyopathy 1JJ. Last evaluated: 2026-01-05. Review status: criteria provided, single submitter. Criteria: Invitae Variant Classification Sherloc (09022015). Collection method: clinical testing. Allele origin: germline.

Fulgent Genetics
Classification: Likely benign for Dilated cardiomyopathy 1JJ. Last evaluated: 2021-07-28. Review status: criteria provided, single submitter. Criteria: ACMG Guidelines, 2015. Collection method: clinical testing. Allele origin: unknown.

ARUP Laboratories, Molecular Genetics and Genomics, ARUP Laboratories
Classification: Likely benign for Dilated cardiomyopathy 1JJ. Last evaluated: 2020-10-01. Review status: criteria provided, single submitter. Criteria: ARUP Molecular Germline Variant Investigation Process 2021. Collection method: clinical testing. Allele origin: germline.

GeneDx
Classification: Likely benign. Last evaluated: 2020-09-22. Review status: criteria provided, single submitter. Criteria: GeneDx Variant Classification Process June 2021. Collection method: clinical testing. Allele origin: germline. Affected: yes.
Comment: This variant is associated with the following publications: (PMID: 24503780)

Ambry Genetics
Classification: Likely benign for Cardiovascular phenotype. Last evaluated: 2018-07-10. Review status: criteria provided, single submitter. Criteria: Ambry Variant Classification Scheme 2023. Collection method: clinical testing. Allele origin: germline.

Laboratory for Molecular Medicine, Mass General Brigham Personalized Medicine
Classification: Likely benign. Last evaluated: 2015-11-09. Review status: criteria provided, single submitter. Criteria: LMM Criteria. Collection method: clinical testing. Allele origin: germline. Observed: 3 variant alleles.
Comment: p.Gly172Ser in exon 6 of LAMA4: This variant is not expected to have clinical si gnificance because it has been identified in 0.3% (25/9762) of African chromosom es by the Exome Aggregation Consortium (ExAC; db SNP rs147695488).

PreventionGenetics, part of Exact Sciences
Classification: Likely benign for LAMA4-related condition. Last evaluated: 2024-01-01. Review status: no assertion criteria provided. Collection method: clinical testing. Allele origin: germline. Not counted in ClinVar's aggregate classification.
Comment: This variant is classified as likely benign based on ACMG/AMP sequence variant interpretation guidelines (Richards et al. 2015 PMID: 25741868, with internal and published modifications).

Clinical Genetics DNA and cytogenetics Diagnostics Lab, Erasmus MC, Erasmus Medical Center
Classification: Likely benign. Review status: no assertion criteria provided. Collection method: clinical testing. Allele origin: germline. Affected: yes. Study: VKGL Data-share Consensus. Not counted in ClinVar's aggregate classification.

Clinical Genetics, Academic Medical Center
Classification: Likely benign. Review status: no assertion criteria provided. Collection method: clinical testing. Allele origin: germline. Affected: yes. Study: VKGL Data-share Consensus. Not counted in ClinVar's aggregate classification.

Genome Diagnostics Laboratory, University Medical Center Utrecht
Classification: Likely benign. Review status: no assertion criteria provided. Collection method: clinical testing. Allele origin: germline. Affected: yes. Study: VKGL Data-share Consensus. Not counted in ClinVar's aggregate classification.

Joint Genome Diagnostic Labs from Nijmegen and Maastricht, Radboudumc and MUMC+
Classification: Likely benign. Review status: no assertion criteria provided. Collection method: clinical testing. Allele origin: germline. Affected: yes. Study: VKGL Data-share Consensus. Not counted in ClinVar's aggregate classification.